The following is an entry in ClinVar:

NM_007294.4(BRCA1):c.584C>T (p.Thr195Ile)

Gene: BRCA1 (BRCA1 DNA repair associated; minus strand). Cytogenetic location: 17q21.31.
Variant type: single nucleotide variant.
Coding change: c.584C>T on transcript NM_007294.4 (MANE Select); coding-DNA position 584, C replaced by T.
Protein change: p.Thr195Ile; replaces threonine 195 with isoleucine.
Molecular consequence: missense variant. On other transcripts: intron variant (115).
Genome position (GRCh38, 1-based): chr17:43,097,253, G>A on the plus strand (C>T on the coding strand, the complement: BRCA1 is on the minus strand). VCF-style: chr17-43097253-G-A. GRCh37 (hg19) VCF-style: chr17-41249270-G-A.
Other names: c.544+2522C>T (NM_001408495.1); c.404-2393C>T (NM_001407936.1, NM_001407931.1, NM_001407932.1 and 5 more transcripts); c.545-2393C>T (NM_001408448.1, NM_001407686.1, NM_001408446.1 and 20 more transcripts); c.548-2393C>T (NM_001408427.1, NM_001407668.1, NM_001408436.1 and 34 more transcripts); c.407-2393C>T (NM_001408496.1, NM_001407929.1, NM_001407924.1 and 15 more transcripts); c.371C>T, p.Thr124Ile (NM_001407571.1, NM_001407853.1, NM_001407894.1 and 12 more transcripts); c.440C>T, p.Thr147Ile (NM_001407747.1, NM_001407748.1, NM_001407749.1 and 26 more transcripts); c.584C>T, p.Thr195Ile (NM_001407581.1, NM_001407582.1, NM_001407583.1 and 58 more transcripts); and 17 more; short protein forms T147I, T150I, T194I, T124I, T125I, T168I, T192I, T67I.
Identifiers: ClinVar variation 3481906 (VCV003481906.4).
Genomic context (GRCh38, chr17:43,097,253, plus strand): 5'-AACTAAATAGGAAAATACCAGCTTCATAGACAAAGGTTCTCTTTGACTCACCTGCAATAA[G>A]TTGCCTTATTAACGGTATCTTCAGAAGAATCAGATCCTAAAAAATTTCCCCCCAAAAAAT-3'
Protein context (NP_009225.1, residues 185-205): DSSEDTVNKA[Thr195Ile]YCSVGDQELL

ClinVar aggregate classification (germline): Uncertain significance. Review status: criteria provided, multiple submitters, no conflicts (2 of 4 stars). 3 submissions from 3 submitters: Uncertain significance (3). Last evaluated 2025-10-16.

Conditions:
Hereditary cancer-predisposing syndrome. Also called: Tumor predisposition; Neoplastic Syndromes, Hereditary; Hereditary Cancer Syndrome; Hereditary neoplastic syndrome. Identifiers: Orphanet 140162, MedGen C0027672, MeSH D009386, MONDO:0015356.
Hereditary breast ovarian cancer syndrome. Also called: Hereditary breast and ovarian cancer; Breast and ovarian cancer; Hereditary breast and/or ovarian cancer syndrome; Hereditary breast and ovarian cancer syndrome; BRCA1- and BRCA2-Associated Hereditary Breast and Ovarian Cancer; Hereditary breast and ovarian cancer syndrome (HBOC). Identifiers: Orphanet 145, MedGen C0677776, MeSH D061325, MONDO:0003582. Disease mechanism: loss of function.

Submissions (3):

Quest Diagnostics Nichols Institute San Juan Capistrano
Classification: Uncertain significance. Last evaluated: 2025-10-16. Review status: criteria provided, single submitter. Criteria: Quest Diagnostics criteria. Collection method: clinical testing. Allele origin: unknown.
Comment: The BRCA1 c.584C>T (p.Thr195Ile) variant has not been reported in individuals with BRCA1-related conditions in the published literature. This variant has not been reported in large, multi-ethnic general populations (Genome Aggregation Database). Analysis of this variant using bioinformatics tools for the prediction of the effect of amino acid changes on protein structure and function yielded predictions that this variant is benign. Based on the available information, we are unable to determine the clinical significance of this variant.

Ambry Genetics
Classification: Uncertain significance for Hereditary cancer-predisposing syndrome. Last evaluated: 2024-12-04. Review status: criteria provided, single submitter. Criteria: Ambry Variant Classification Scheme 2023. Collection method: clinical testing. Allele origin: germline.
Comment: The p.T195I variant (also known as c.584C>T), located in coding exon 7 of the BRCA1 gene, results from a C to T substitution at nucleotide position 584. The threonine at codon 195 is replaced by isoleucine, an amino acid with similar properties. This amino acid position is poorly conserved in available vertebrate species. In addition, the in silico prediction for this alteration is inconclusive. Based on the available evidence, the clinical significance of this variant remains unclear.

Labcorp Genetics (formerly Invitae), Labcorp
Classification: Uncertain significance for Hereditary breast ovarian cancer syndrome. Last evaluated: 2024-06-24. Review status: criteria provided, single submitter. Criteria: Invitae Variant Classification Sherloc (09022015). Collection method: clinical testing. Allele origin: germline.
Comment: This sequence change replaces threonine, which is neutral and polar, with isoleucine, which is neutral and non-polar, at codon 195 of the BRCA1 protein (p.Thr195Ile). This variant is not present in population databases (gnomAD no frequency). This variant has not been reported in the literature in individuals affected with BRCA1-related conditions. Advanced modeling of protein sequence and biophysical properties (such as structural, functional, and spatial information, amino acid conservation, physicochemical variation, residue mobility, and thermodynamic stability) performed at Invitae indicates that this missense variant is not expected to disrupt BRCA1 protein function with a negative predictive value of 95%. In summary, the available evidence is currently insufficient to determine the role of this variant in disease. Therefore, it has been classified as a Variant of Uncertain Significance.